The following is an entry in ClinVar:

NM_000088.4(COL1A1):c.1804G>A (p.Gly602Arg)

Gene: COL1A1 (collagen type I alpha 1 chain; minus strand). Cytogenetic location: 17q21.33.
Variant type: single nucleotide variant.
Coding change: c.1804G>A on transcript NM_000088.4 (MANE Select); coding-DNA position 1804, G replaced by A.
Protein change: p.Gly602Arg; replaces glycine 602 with arginine.
Molecular consequence: missense variant.
Genome position (GRCh38, 1-based): chr17:50,193,011, C>T on the plus strand (G>A on the coding strand, the complement: COL1A1 is on the minus strand). VCF-style: chr17-50193011-C-T. GRCh37 (hg19) VCF-style: chr17-48270372-C-T.
Other names: short protein forms G602R.
Identifiers: ClinVar variation 1678749 (VCV001678749.3), dbSNP rs72651615, ClinGen allele CA291544553.

ClinVar aggregate classification (germline): Pathogenic. Review status: criteria provided, multiple submitters, no conflicts (2 of 4 stars). 2 submissions from 2 submitters: Pathogenic (2). Last evaluated 2022-07-27.

Submissions (2):

Athena Diagnostics
Classification: Pathogenic. Last evaluated: 2022-07-27. Review status: criteria provided, single submitter. Criteria: Athena Diagnostics Criteria. Collection method: clinical testing. Allele origin: unknown.
Comment: This variant has been identified in at least one individual with clinical features of osteogenesis imperfecta. This variant has not been reported in large, multi-ethnic general populations. A majority of pathogenic missense variants in this gene involve the substitution of a glycine residue in the triple-helix domain, resulting in disruption of protein function (PMID: 29632050, 21421911, 19344236).

GeneDx
Classification: Pathogenic. Last evaluated: 2022-04-18. Review status: criteria provided, single submitter. Criteria: GeneDx Variant Classification Process June 2021. Collection method: clinical testing. Allele origin: germline. Affected: yes.
Comment: Occurs in the triple helical domain and replaces a glycine in a canonical Gly-X-Y repeat; missense substitution of a canonical glycine residue is expected to disrupt normal protein folding and function, and this is an established mechanism of disease (Jovanovic et al., 2021); Not observed at significant frequency in large population cohorts (gnomAD); In silico analysis supports that this missense variant has a deleterious effect on protein structure/function; This variant is associated with the following publications: (PMID: 18996919, 24863959, 22570641, 34007986)

Literature cited by the submitters: PubMed 24863959 (cited by Athena Diagnostics); PubMed 18996919 (cited by Athena Diagnostics); PubMed 35583673 (cited by Athena Diagnostics).